The following is an entry in ClinVar:

NM_001673.5(ASNS):c.862A>G (p.Ile288Val)

Genes: ASNS (asparagine synthetase (glutamine-hydrolyzing); minus strand), CZ1P-ASNS (CZ1P-ASNS readthrough; minus strand). Cytogenetic location: 7q21.3.
Variant type: single nucleotide variant.
Coding change: c.862A>G on transcript NM_001673.5 (MANE Select); coding-DNA position 862, A replaced by G.
Protein change: p.Ile288Val; replaces isoleucine 288 with valine.
Molecular consequence: missense variant. On other transcripts: non-coding transcript variant (1).
Genome position (GRCh38, 1-based): chr7:97,858,319, T>C on the plus strand (A>G on the coding strand, the complement: ASNS is on the minus strand). VCF-style: chr7-97858319-T-C. GRCh37 (hg19) VCF-style: chr7-97487631-T-C.
Other names: c.799A>G, p.Ile267Val (NM_001178075.2); c.613A>G, p.Ile205Val (NM_001178076.2, NM_001178077.1); c.862A>G, p.Ile288Val (NM_001352496.2, NM_133436.3, NM_183356.4); short protein forms I205V, I267V, I288V.
Identifiers: ClinVar variation 1480241 (VCV001480241.4), dbSNP rs778448554, ClinGen allele CA4354665.

ClinVar aggregate classification (germline): Uncertain significance. Review status: criteria provided, multiple submitters, no conflicts (2 of 4 stars). 2 submissions from 2 submitters: Uncertain significance (2). Last evaluated 2024-01-23.

Conditions:
Inborn genetic diseases. Identifiers: MedGen C0950123, MeSH D030342.

Allele frequency attached by ClinVar (database versions not stated): gnomAD exomes 0.00001 and 0.00002; TOPMed 0.00001; ExAC 0.00002.
gnomAD v4.1: 16 of 1,613,902 alleles (0.00099%); highest among the groups gnomAD compares: East Asian, 0.016%; no homozygotes.

Submissions (2):

Ambry Genetics
Classification: Uncertain significance for Inborn genetic diseases. Last evaluated: 2024-01-23. Review status: criteria provided, single submitter. Criteria: Ambry Variant Classification Scheme 2023. Collection method: clinical testing. Allele origin: germline.

Labcorp Genetics (formerly Invitae), Labcorp
Classification: Uncertain significance. Last evaluated: 2022-07-05. Review status: criteria provided, single submitter. Criteria: Invitae Variant Classification Sherloc (09022015). Collection method: clinical testing. Allele origin: germline.
Comment: This sequence change replaces isoleucine, which is neutral and non-polar, with valine, which is neutral and non-polar, at codon 288 of the ASNS protein (p.Ile288Val). This variant is present in population databases (rs778448554, gnomAD 0.02%). This variant has not been reported in the literature in individuals affected with ASNS-related conditions. ClinVar contains an entry for this variant (Variation ID: 1480241). Algorithms developed to predict the effect of missense changes on protein structure and function (SIFT, PolyPhen-2, Align-GVGD) all suggest that this variant is likely to be tolerated. Algorithms developed to predict the effect of sequence changes on RNA splicing suggest that this variant may create or strengthen a splice site. In summary, the available evidence is currently insufficient to determine the role of this variant in disease. Therefore, it has been classified as a Variant of Uncertain Significance.